The following is an entry in ClinVar:

NM_001261826.3(AP3D1):c.2937G>A (p.Pro979=)

Gene: AP3D1 (adaptor related protein complex 3 subunit delta 1; minus strand). Cytogenetic location: 19p13.3.
Variant type: single nucleotide variant.
Coding change: c.2937G>A on transcript NM_001261826.3 (MANE Select); coding-DNA position 2937, G replaced by A.
Protein change: p.Pro979=; no amino-acid change (proline 979 retained).
Molecular consequence: synonymous variant.
Genome position (GRCh38, 1-based): chr19:2,111,679, C>T on the plus strand (G>A on the coding strand, the complement: AP3D1 is on the minus strand). VCF-style: chr19-2111679-C-T. GRCh37 (hg19) VCF-style: chr19-2111678-C-T.
Other names: c.2901G>A, p.Pro967= (NM_001374799.1); c.2751G>A, p.Pro917= (NM_003938.8).
Identifiers: ClinVar variation 3644671 (VCV003644671.2).

ClinVar aggregate classification (germline): Uncertain significance (1 of 4 stars; one submission).

gnomAD v4.1: 1 of 1,586,448 alleles (0.000063%); highest among the groups gnomAD compares: East Asian, 0.0023%; no homozygotes.

Submission:

Labcorp Genetics (formerly Invitae), Labcorp
Classification: Uncertain significance. Last evaluated: 2024-03-12. Review status: criteria provided, single submitter. Criteria: Invitae Variant Classification Sherloc (09022015). Collection method: clinical testing. Allele origin: germline.
Comment: This sequence change affects codon 979 of the AP3D1 mRNA. It is a 'silent' change, meaning that it does not change the encoded amino acid sequence of the AP3D1 protein. This variant also falls at the last nucleotide of exon 25, which is part of the consensus splice site for this exon. This variant is not present in population databases (gnomAD no frequency). This variant has not been reported in the literature in individuals affected with AP3D1-related conditions. Variants that disrupt the consensus splice site are a relatively common cause of aberrant splicing (PMID: 17576681, 9536098). Algorithms developed to predict the effect of sequence changes on RNA splicing suggest that this variant may disrupt the consensus splice site. In summary, the available evidence is currently insufficient to determine the role of this variant in disease. Therefore, it has been classified as a Variant of Uncertain Significance.

Literature cited by the submitters: PubMed 17576681; PubMed 9536098.